The following is an entry in ClinVar:

NM_020208.4(SLC6A20):c.*1506A>T

Gene: SLC6A20 (solute carrier family 6 member 20; minus strand). Cytogenetic location: 3p21.31.
Variant type: single nucleotide variant.
Coding change: c.*1506A>T on transcript NM_020208.4 (MANE Select); 1506 bases downstream of the stop codon, A replaced by T.
Molecular consequence: 3 prime UTR variant.
Genome position (GRCh38, 1-based): chr3:45,757,472, T>A on the plus strand (A>T on the coding strand, the complement: SLC6A20 is on the minus strand). VCF-style: chr3-45757472-T-A. GRCh37 (hg19) VCF-style: chr3-45798964-T-A.
Other names: c.*1506A>T (NM_022405.4).
Identifiers: ClinVar variation 345371 (VCV000345371.5), dbSNP rs539802611, ClinGen allele CA10615960.

ClinVar aggregate classification (germline): Likely benign (1 of 4 stars; one submission).

Conditions:
Hyperglycinuria. Also called: GLYCINURIA WITH OR WITHOUT OXALATE NEPHROLITHIASIS; GLYCINURIA WITH OR WITHOUT OXALATE UROLITHIASIS; IMINOGLYCINURIA TYPE II. Identifiers: MedGen C0543541, MONDO:0007677, OMIM 138500, HP:0003108.

Allele frequency attached by ClinVar (database versions not stated): gnomAD below 0.00001 and 0.00025; TOPMed 0.00006; 1000 Genomes Project 0.00300; 1000 Genomes Project 30x 0.00312.

Submission:

Illumina Laboratory Services, Illumina
Classification: Likely benign for Hyperglycinuria. Last evaluated: 2018-01-12. Review status: criteria provided, single submitter. Criteria: ICSL Variant Classification Criteria 13 December 2019. Collection method: clinical testing. Allele origin: germline.
Comment: This variant was observed in the ICSL laboratory as part of a predisposition screen in an ostensibly healthy population. It had not been previously curated by ICSL or reported in the Human Gene Mutation Database (HGMD: prior to June 1st, 2018), and was therefore a candidate for classification through an automated scoring system. Utilizing variant allele frequency, disease prevalence and penetrance estimates, and inheritance mode, an automated score was calculated to assess if this variant is too frequent to cause the disease. Based on the score and internal cut-off values, a variant classified as likely benign is not then subjected to further curation. The score for this variant resulted in a classification of likely benign for this disease.